The following is an entry in ClinVar:

ClinVar aggregate classification (germline): Conflicting classifications of pathogenicity. Review status: criteria provided, conflicting classifications (1 of 4 stars). 2 submissions from 2 submitters: Likely pathogenic (1); Uncertain significance (1).

Conditions:
Joubert syndrome 9 (JBTS9). Identifiers: Orphanet 2318, MedGen C2676788, MONDO:0012849, OMIM 612285.
Meckel syndrome, type 6. Identifiers: Orphanet 564, MedGen C2676790, MONDO:0012848, OMIM 612284.

Submissions (2):

Juno Genomics, Hangzhou Juno Genomics, Inc
Classification: Uncertain significance for Joubert syndrome 9; Meckel syndrome, type 6. Review status: criteria provided, single submitter. Criteria: ACMG Guidelines, 2015. Collection method: clinical testing. Allele origin: germline. Affected: yes.
Comment: Absent from controls (or at extremely low frequency if recessive) in Genome Aggregation Database, Exome Sequencing Project, 1000 Genomes Project, or Exome Aggregation Consortium.;For recessive disorders, detected in trans with a pathogenic variant.;Patient's phenotype or family history is highly specific for a disease with a single genetic etiology.

Kasturba Medical College, Manipal, Kasturba Medical College, Manipal, Manipal Academy of Higher Education, Manipal, India
Classification: Likely pathogenic for Meckel syndrome, type 6. Review status: criteria provided, single submitter. Criteria: ACMG Guidelines, 2015. Collection method: research. Allele origin: paternal. Affected: yes. Observed: 1 heterozygote.

NM_001378615.1(CC2D2A):c.4088G>T (p.Gly1363Val)

Genes: CC2D2A (coiled-coil and C2 domain containing 2A; plus strand), FBXL5 (F-box and leucine rich repeat protein 5; minus strand). Cytogenetic location: 4p15.32.
Variant type: single nucleotide variant.
Coding change: c.4088G>T on transcript NM_001378615.1 (MANE Select); coding-DNA position 4088, G replaced by T.
Protein change: p.Gly1363Val; replaces glycine 1363 with valine.
Molecular consequence: missense variant.
Genome position (GRCh38, 1-based): chr4:15,587,838, G>T. VCF-style: chr4-15587838-G-T. GRCh37 (hg19) VCF-style: chr4-15589461-G-T.
Other names: c.4088G>T, p.Gly1363Val (NM_001080522.2); c.3941G>T, p.Gly1314Val (NM_001378617.1); short protein forms G1363V, G1314V.
Identifiers: ClinVar variation 690364 (VCV000690364.5), dbSNP rs762683334, ClinGen allele CA356428736.